The following is an entry in ClinVar:

NM_130384.3(ATRIP):c.1095T>G (p.Ser365=)

Genes: ATRIP (ATR interacting protein; plus strand), ATRIP-TREX1 (ATRIP-TREX1 readthrough; plus strand). Cytogenetic location: 3p21.31.
Variant type: single nucleotide variant.
Coding change: c.1095T>G on transcript NM_130384.3 (MANE Select); coding-DNA position 1095, T replaced by G.
Protein change: p.Ser365=; no amino-acid change (serine 365 retained).
Molecular consequence: synonymous variant. On other transcripts: non-coding transcript variant (1).
Genome position (GRCh38, 1-based): chr3:48,460,149, T>G. VCF-style: chr3-48460149-T-G. GRCh37 (hg19) VCF-style: chr3-48501548-T-G.
Other names: c.714T>G, p.Ser238= (NM_001271022.2); c.816T>G, p.Ser272= (NM_001271023.2); c.1095T>G, p.Ser365= (NM_032166.4).
Identifiers: ClinVar variation 4842172 (VCV004842172.1).

ClinVar aggregate classification (germline): Uncertain significance (1 of 4 stars; one submission).

gnomAD v4.1: 3 of 1,613,658 alleles (0.00019%); highest among the groups gnomAD compares: Admixed American, 0.0017%; no homozygotes.

Submission:

Ambry Genetics
Classification: Uncertain significance. Last evaluated: 2026-01-07. Review status: criteria provided, single submitter. Criteria: Ambry Variant Classification Scheme 2023. Collection method: clinical testing. Allele origin: germline.
Comment: The c.1095T>G variant (also known as p.S365S), located in coding exon 8 of the ATRIP gene, results from a T to G substitution at nucleotide position 1095. This nucleotide substitution does not change the serine at codon 365. This nucleotide position is well conserved in available vertebrate species. In silico splice site analysis predicts that this alteration will result in the creation or strengthening of a novel splice donor site. Based on the available evidence, the clinical significance of this variant remains unclear.